The following is an entry in ClinVar:

NM_024312.5(GNPTAB):c.366-233G>A

Gene: GNPTAB (N-acetylglucosamine-1-phosphate transferase subunits alpha and beta; minus strand). Cytogenetic location: 12q23.2.
Variant type: single nucleotide variant.
Coding change: c.366-233G>A on transcript NM_024312.5 (MANE Select); 233 bases into the intron before coding-DNA position 366, G replaced by A.
Molecular consequence: intron variant.
Genome position (GRCh38, 1-based): chr12:101,786,450, C>T on the plus strand (G>A on the coding strand, the complement: GNPTAB is on the minus strand). VCF-style: chr12-101786450-C-T. GRCh37 (hg19) VCF-style: chr12-102180228-C-T.
Identifiers: ClinVar variation 671993 (VCV000671993.1), dbSNP rs6539012, ClinGen allele CA15755898.

ClinVar aggregate classification (germline): Benign (1 of 4 stars; one submission).

Allele frequency attached by ClinVar (database versions not stated): gnomAD 0.67239 and 0.67271; TOPMed 0.67413; 1000 Genomes Project 30x 0.74360; 1000 Genomes Project 0.74900.
gnomAD v4.1: 102,264 of 152,082 alleles (67%); highest among the groups gnomAD compares: East Asian, 92%; 36,088 homozygotes.

Submission:

GeneDx
Classification: Benign. Last evaluated: 2018-06-19. Review status: criteria provided, single submitter. Criteria: GeneDx Variant Classification (06012015). Collection method: clinical testing. Allele origin: germline. Affected: yes.
Comment: This variant is considered likely benign or benign based on one or more of the following criteria: it is a conservative change, it occurs at a poorly conserved position in the protein, it is predicted to be benign by multiple in silico algorithms, and/or has population frequency not consistent with disease.